The following is an entry in ClinVar:

ClinVar aggregate classification (germline): Pathogenic (1 of 4 stars; one submission).

Conditions:
Polyglucosan body myopathy type 1 (PGBM1). Also called: Polyglucosan body myopathy 1 with or without immunodeficiency; POLYGLUCOSAN BODY MYOPATHY WITHOUT IMMUNODEFICIENCY. Identifiers: Orphanet 329173, Orphanet 397937, MedGen C4014605, MONDO:0014389, OMIM 615895.

Submission:

Labcorp Genetics (formerly Invitae), Labcorp
Classification: Pathogenic for Polyglucosan body myopathy type 1. Last evaluated: 2023-04-22. Review status: criteria provided, single submitter. Criteria: Invitae Variant Classification Sherloc (09022015). Collection method: clinical testing. Allele origin: unknown.
Comment: For these reasons, this variant has been classified as Pathogenic. This variant has not been reported in the literature in individuals affected with RBCK1-related conditions. This variant is a gross deletion of the genomic region encompassing exon(s) 1-8 of the RBCK1 gene, which includes the initiator codon. This deletion extends beyond the assayed region for this gene and therefore may encompass additional genes. It is expected to result in an absent or disrupted protein product. Loss-of-function variants in RBCK1 are known to be pathogenic (PMID: 2379848, 23104095, 23889995).

Literature cited by the submitters: PubMed 2379848; PubMed 23104095; PubMed 23889995.

NC_000020.10:g.(?_389402)_(402902_?)del

Gene: RBCK1 (RANBP2-type and C3HC4-type zinc finger containing 1; plus strand). Cytogenetic location: 20p13.
Variant type: Deletion.
Identifiers: ClinVar variation 3248312 (VCV003248312.1).